The following is an entry in ClinVar:

ClinVar aggregate classification (germline): Pathogenic (1 of 4 stars; one submission).

Conditions:
Tuberous sclerosis 1 (TSC1). Identifiers: Orphanet 805, MedGen C1854465, MONDO:0008612, OMIM 191100.

Submission:

Labcorp Genetics (formerly Invitae), Labcorp
Classification: Pathogenic for Tuberous sclerosis 1. Last evaluated: 2025-12-13. Review status: criteria provided, single submitter. Criteria: Invitae Variant Classification Sherloc (09022015). Collection method: clinical testing. Allele origin: germline.
Comment: This sequence change creates a premature translational stop signal (p.Gly443*) in the TSC1 gene. It is expected to result in an absent or disrupted protein product. Loss-of-function variants in TSC1 are known to be pathogenic (PMID: 10227394, 17304050). This variant is not present in population databases (gnomAD no frequency). This variant has not been reported in the literature in individuals affected with TSC1-related conditions. For these reasons, this variant has been classified as Pathogenic.

Literature cited by the submitters: PubMed 10227394; PubMed 17304050.

NM_000368.5(TSC1):c.1327G>T (p.Gly443Ter)

Gene: TSC1 (TSC complex subunit 1; minus strand). Cytogenetic location: 9q34.13.
Variant type: single nucleotide variant.
Coding change: c.1327G>T on transcript NM_000368.5 (MANE Select); coding-DNA position 1327, G replaced by T.
Protein change: p.Gly443Ter; replaces glycine 443 with a stop codon.
Molecular consequence: nonsense. On other transcripts: non-coding transcript variant (5).
Genome position (GRCh38, 1-based): chr9:132,907,307, C>A on the plus strand (G>T on the coding strand, the complement: TSC1 is on the minus strand). VCF-style: chr9-132907307-C-A. GRCh37 (hg19) VCF-style: chr9-135782694-C-A.
Other names: c.1327G>T, p.Gly443Ter (NM_001406594.1, NM_001406595.1, NM_001406596.1 and 7 more transcripts); c.1324G>T, p.Gly442Ter (NM_001406597.1, NM_001162426.2, NM_001406598.1 and 6 more transcripts); c.1174G>T, p.Gly392Ter (NM_001162427.2, NM_001406610.1); c.964G>T, p.Gly322Ter (NM_001362177.2, NM_001406624.1, NM_001406614.1 and 5 more transcripts); c.961G>T, p.Gly321Ter (NM_001406620.1, NM_001406621.1, NM_001406625.1 and 2 more transcripts); c.376G>T, p.Gly126Ter (NM_001406626.1); c.373G>T, p.Gly125Ter (NM_001406627.1, NM_001406628.1); c.274G>T, p.Gly92Ter (NM_001406629.1, NM_001406630.1); and 1 more; short protein forms G126*, G443*, G322*, G92*, G321*, G391*, G125*, G392*.
Identifiers: ClinVar variation 4733077 (VCV004733077.1).